The following is an entry in ClinVar:

ClinVar aggregate classification (germline): Uncertain significance. Review status: criteria provided, multiple submitters, no conflicts (2 of 4 stars). 2 submissions from 2 submitters: Uncertain significance (2). Last evaluated 2026-07-08.

Conditions:
Arrhythmogenic cardiomyopathy with wooly hair and keratoderma. Also called: PALMOPLANTAR KERATODERMA WITH LEFT VENTRICULAR CARDIOMYOPATHY AND WOOLLY HAIR; Carvajal syndrome; Dilated cardiomyopathy with woolly hair and keratoderma; Arrhythmogenic cardiomyopathy with woolly hair and keratoderma. Identifiers: Orphanet 65282, MedGen C1854063, MONDO:0011581, OMIM 605676.
Cardiovascular phenotype. Identifiers: MedGen CN230736.

Allele frequency attached by ClinVar (database versions not stated): TOPMed 0.00004; gnomAD exomes below 0.00001; ExAC 0.00001; gnomAD 0.00005.

Submissions (2):

Ambry Genetics
Classification: Uncertain significance for Cardiovascular phenotype. Last evaluated: 2026-07-08. Review status: criteria provided, single submitter. Criteria: Ambry Variant Classification Scheme 2023. Collection method: clinical testing. Allele origin: germline.
Comment: The c.3609G>A (p.M1203I) alteration is located in exon 23 (coding exon 23) of the DSP gene. This alteration results from a G to A substitution at nucleotide position 3609, causing the methionine (M) at amino acid position 1203 to be replaced by an isoleucine (I). Based on data from gnomAD, the A allele has an overall frequency of 0.001% (2/282434) total alleles studied. The highest observed frequency was 0.008% (2/24894) of African alleles. Based on insufficient or conflicting evidence, the clinical significance of this alteration remains unclear.

All of Us Research Program, National Institutes of Health
Classification: Uncertain significance for Arrhythmogenic cardiomyopathy with wooly hair and keratoderma. Last evaluated: 2024-10-01. Review status: criteria provided, single submitter. Criteria: ACMG Guidelines, 2015. Collection method: clinical testing. Allele origin: germline. Inheritance: Autosomal dominant inheritance. Observed: 3 variant alleles, 3 heterozygotes.
Comment: This missense variant replaces methionine with isoleucine at codon 1203 of the DSP protein. Computational prediction suggests that this variant may not impact protein structure and function (internally defined REVEL score threshold <= 0.5, PMID: 27666373). To our knowledge, functional studies have not been reported for this variant. This variant has not been reported in individuals affected with DSP-related disorders in the literature. This variant has been identified in 2/282434 chromosomes in the general population by the Genome Aggregation Database (gnomAD). The available evidence is insufficient to determine the role of this variant in disease conclusively. Therefore, this variant is classified as a Variant of Uncertain Significance.

This study involves interpretation of variants in research participants for the purpose of population health screening. Participant phenotype was not available at the time of variant classification. Additional details can be found in publication PMID: 35346344, PMCID: PMC8962531

NM_004415.4(DSP):c.3609G>A (p.Met1203Ile)

Gene: DSP (desmoplakin; plus strand). Cytogenetic location: 6p24.3.
Variant type: single nucleotide variant.
Coding change: c.3609G>A on transcript NM_004415.4 (MANE Select); coding-DNA position 3609, G replaced by A.
Protein change: p.Met1203Ile; replaces methionine 1203 with isoleucine.
Molecular consequence: missense variant. On other transcripts: intron variant (1).
Genome position (GRCh38, 1-based): chr6:7,579,799, G>A. VCF-style: chr6-7579799-G-A. GRCh37 (hg19) VCF-style: chr6-7580032-G-A.
Other names: c.3609G>A, p.Met1203Ile (NM_001319034.2); c.3582+27G>A (NM_001008844.3); short protein forms M1203I.
Identifiers: ClinVar variation 3073419 (VCV003073419.3), dbSNP rs754962132, ClinGen allele CA038502.